The following is an entry in ClinVar:

NM_001379451.1(BCORL1):c.784C>G (p.Pro262Ala)

Gene: BCORL1 (BCL6 corepressor like 1; plus strand). Cytogenetic location: Xq26.1.
Variant type: single nucleotide variant.
Coding change: c.784C>G on transcript NM_001379451.1 (MANE Select); coding-DNA position 784, C replaced by G.
Protein change: p.Pro262Ala; replaces proline 262 with alanine.
Molecular consequence: missense variant.
Genome position (GRCh38, 1-based): chrX:130,013,556, C>G. VCF-style: chrX-130013556-C-G. GRCh37 (hg19) VCF-style: chrX-129147532-C-G.
Other names: c.784C>G, p.Pro262Ala (NM_001184772.3, NM_001379450.1, NM_021946.5); short protein forms P262A.
Identifiers: ClinVar variation 2615245 (VCV002615245.26), dbSNP rs752320467, ClinGen allele CA10514170.

ClinVar aggregate classification (germline): Conflicting classifications of pathogenicity. Review status: criteria provided, conflicting classifications (1 of 4 stars). 2 submissions from 2 submitters: Uncertain significance (1); Likely benign (1). Last evaluated 2023-08-02.

Allele frequency attached by ClinVar (database versions not stated): gnomAD 0.00001; ExAC 0.00002; TOPMed 0.00002.
gnomAD v4.1: 32 of 1,209,229 alleles (0.0026%); highest among the groups gnomAD compares: Middle Eastern, 0.023%; no homozygotes.

Submissions (2):

Ambry Genetics
Classification: Uncertain significance. Last evaluated: 2023-08-02. Review status: criteria provided, single submitter. Criteria: Ambry Variant Classification Scheme 2023. Collection method: clinical testing. Allele origin: germline.

CeGaT Center for Human Genetics Tuebingen
Classification: Likely benign. Last evaluated: 2023-02-01. Review status: criteria provided, single submitter. Criteria: CeGaT Center For Human Genetics Tuebingen Variant Classification Criteria Version 2. Collection method: clinical testing. Allele origin: germline. Affected: yes. Observed: 1 variant allele.
Comment: BCORL1: BS2